The following is an entry in ClinVar:

NM_000443.4(ABCB4):c.66_67dup (p.Leu23fs)

Gene: ABCB4 (ATP binding cassette subfamily B member 4; minus strand). Cytogenetic location: 7q21.12.
Variant type: Duplication.
Coding change: c.66_67dup on transcript NM_000443.4 (MANE Select); coding-DNA positions 66 to 67, 2 bases duplicated (AC; older notation c.66_67dupAC).
Protein change: p.Leu23fs; shifts the reading frame from leucine 23.
Molecular consequence: frameshift variant.
Genome position (GRCh38, 1-based): chr7:87,475,399-87,475,400, GT duplicated on the plus strand (AC on the coding strand, the reverse complement: ABCB4 is on the minus strand). VCF-style (leftmost placement, unchanged base first): chr7-87475398-A-AGT. GRCh37 (hg19) VCF-style: chr7-87104714-A-AGT.
Other names: c.66_67dup, p.Leu23fs (NM_018849.3, NM_018850.3); short protein forms L23fs.
Identifiers: ClinVar variation 4846532 (VCV004846532.1).
Genomic context (GRCh38, chr7:87,475,398, plus strand): 5'-CTGCTGATTGGCGTGTAACGGAAAAGCCAGTGGCTGCTGGGGATGTACCTGCTGATGCCC[A>AGT]GTTCAAAGTCGCCCTCCGCGCTCGTGGGGCGCCAGGCTGTTCCGTTCTTTGCCGCCTCAA-3'

ClinVar aggregate classification (germline): Pathogenic (1 of 4 stars; one submission).

Conditions:
Familial intrahepatic cholestasis. Identifiers: Orphanet 284385, MedGen CN296401, MONDO:0017290.

Submission:

Genomenon, Inc
Classification: Pathogenic for Familial intrahepatic cholestasis. Last evaluated: 2026-04-14. Review status: criteria provided, single submitter. Criteria: Genomenon Sequence Variant Interpretation Standards - Updated. Collection method: curation. Allele origin: germline. Affected: yes.
Comment: ABCB4 p.Leu23HisfsTer16 (c.66_67dup) is a frameshift variant that results in the production of a truncated protein which may be subject to nonsense-mediated mRNA decay. This variant has been observed in at least one proband with an ABCB4-related disorder (PMID:21638239). It is absent or not present at a significant frequency in gnomAD. In conclusion, we classify ABCB4 p.Leu23HisfsTer16 (c.66_67dup) as a pathogenic variant.

Literature cited by the submitters: PubMed 21638239.